The following is an entry in ClinVar:

NM_004415.4(DSP):c.8496_8500dup (p.Arg2834fs)

Gene: DSP (desmoplakin; plus strand). Cytogenetic location: 6p24.3.
Variant type: Duplication.
Coding change: c.8496_8500dup on transcript NM_004415.4 (MANE Select); coding-DNA positions 8496 to 8500, 5 bases duplicated (ATCTC; older notation c.8496_8500dupATCTC).
Protein change: p.Arg2834fs; shifts the reading frame from arginine 2834.
Molecular consequence: frameshift variant.
Genome position (GRCh38, 1-based): chr6:7,585,758-7,585,762, ATCTC duplicated. VCF-style (leftmost placement, unchanged base first): chr6-7585757-G-GATCTC. GRCh37 (hg19) VCF-style: chr6-7585990-G-GATCTC.
Other names: c.6699_6703dup, p.Arg2235fs (NM_001008844.3); c.7167_7171dup, p.Arg2391fs (NM_001319034.2); short protein forms R2235fs, R2391fs, R2834fs.
Identifiers: ClinVar variation 2098315 (VCV002098315.5), dbSNP rs1561706117, ClinGen allele CA565105959.

ClinVar aggregate classification (germline): Conflicting classifications of pathogenicity. Review status: criteria provided, conflicting classifications (1 of 4 stars). 2 submissions from 2 submitters: Pathogenic (1); Uncertain significance (1). Last evaluated 2026-01-22.

Conditions:
Arrhythmogenic cardiomyopathy with wooly hair and keratoderma. Also called: PALMOPLANTAR KERATODERMA WITH LEFT VENTRICULAR CARDIOMYOPATHY AND WOOLLY HAIR; Carvajal syndrome; Dilated cardiomyopathy with woolly hair and keratoderma; Arrhythmogenic cardiomyopathy with woolly hair and keratoderma. Identifiers: Orphanet 65282, MedGen C1854063, MONDO:0011581, OMIM 605676.
Arrhythmogenic right ventricular dysplasia 8 (ARVD8). Also called: ARRHYTHMOGENIC RIGHT VENTRICULAR DYSPLASIA, FAMILIAL, 8; ARRHYTHMOGENIC RIGHT VENTRICULAR CARDIOMYOPATHY 8; Arrhythmogenic Right Ventricular Dysplasia/Cardiomyopathy 8. Identifiers: MedGen C1843896, MONDO:0011831, OMIM 607450.

Allele frequency attached by ClinVar (database versions not stated): gnomAD exomes below 0.00001.

Submissions (2):

GeneDx
Classification: Pathogenic. Last evaluated: 2026-01-22. Review status: criteria provided, single submitter. Criteria: GeneDx Variant Classification Process June 2021. Collection method: clinical testing. Allele origin: germline.
Comment: Frameshift variant predicted to result in protein truncation or nonsense mediated decay in a gene for which loss of function is a known mechanism of disease; Not observed at significant frequency in large population cohorts (gnomAD); This variant is associated with the following publications: (PMID: 32969603)

Labcorp Genetics (formerly Invitae), Labcorp
Classification: Uncertain significance for Arrhythmogenic cardiomyopathy with wooly hair and keratoderma; Arrhythmogenic right ventricular dysplasia 8. Last evaluated: 2024-01-19. Review status: criteria provided, single submitter. Criteria: Invitae Variant Classification Sherloc (09022015). Collection method: clinical testing. Allele origin: germline.
Comment: This sequence change results in a frameshift in the DSP gene (p.Arg2834Hisfs*51). While this is not anticipated to result in nonsense mediated decay, it is expected to disrupt the last 38 amino acid(s) of the DSP protein and extend the protein by 12 additional amino acid residues. This variant is present in population databases (no rsID available, gnomAD 0.003%). This frameshift has been observed in individual(s) with dilated cardiomyopathy (PMID: 32969603). This variant is also known as c.8495_8496insATCTC. ClinVar contains an entry for this variant (Variation ID: 2098315). Experimental studies and prediction algorithms are not available or were not evaluated, and the functional significance of this variant is currently unknown. This variant disrupts a region of the DSP protein in which other variant(s) (p.Arg2834His) have been observed in individuals with DSP-related conditions (PMID: 16917092). This suggests that this is a clinically significant region of the protein, and that variants that disrupt it are likely to be disease-causing. In summary, the available evidence is currently insufficient to determine the role of this variant in disease. Therefore, it has been classified as a Variant of Uncertain Significance.

Literature cited by the submitters: PubMed 32969603 (cited by Labcorp Genetics (formerly Invitae), Labcorp); PubMed 16917092 (cited by Labcorp Genetics (formerly Invitae), Labcorp).